The following is an entry in ClinVar:

ClinVar aggregate classification (germline): Uncertain significance (1 of 4 stars; one submission).

Conditions:
Hereditary cancer-predisposing syndrome. Also called: Neoplastic Syndromes, Hereditary; Tumor predisposition; Hereditary Cancer Syndrome; Hereditary neoplastic syndrome. Identifiers: Orphanet 140162, MedGen C0027672, MeSH D009386, MONDO:0015356.

Submission:

Ambry Genetics
Classification: Uncertain significance for Hereditary cancer-predisposing syndrome. Last evaluated: 2021-12-22. Review status: criteria provided, single submitter. Criteria: Ambry Variant Classification Scheme 2023. Collection method: clinical testing. Allele origin: germline.
Comment: The p.E35D variant (also known as c.105A>T), located in coding exon 2 of the XRCC2 gene, results from an A to T substitution at nucleotide position 105. The glutamic acid at codon 35 is replaced by aspartic acid, an amino acid with highly similar properties. This amino acid position is conserved. In addition, this alteration is predicted to be tolerated by in silico analysis. Since supporting evidence is limited at this time, the clinical significance of this alteration remains unclear.

NM_005431.2(XRCC2):c.105A>T (p.Glu35Asp)

Gene: XRCC2 (X-ray repair cross complementing 2; minus strand). Cytogenetic location: 7q36.1.
Variant type: single nucleotide variant.
Coding change: c.105A>T on transcript NM_005431.2 (MANE Select); coding-DNA position 105, A replaced by T.
Protein change: p.Glu35Asp; replaces glutamic acid 35 with aspartic acid.
Molecular consequence: missense variant.
Genome position (GRCh38, 1-based): chr7:152,660,717, T>A on the plus strand (A>T on the coding strand, the complement: XRCC2 is on the minus strand). VCF-style: chr7-152660717-T-A. GRCh37 (hg19) VCF-style: chr7-152357802-T-A.
Other names: short protein forms E35D.
Identifiers: ClinVar variation 1779708 (VCV001779708.2), dbSNP rs2485896782, ClinGen allele CA370199425.